The following is an entry in ClinVar:

NM_001204.7(BMPR2):c.1128+1G>A

Gene: BMPR2 (bone morphogenetic protein receptor type 2; plus strand). Cytogenetic location: 2q33.2.
Variant type: single nucleotide variant.
Coding change: c.1128+1G>A on transcript NM_001204.7 (MANE Select); the canonical splice donor site of the intron after coding-DNA position 1128, G replaced by A.
Molecular consequence: splice donor variant.
Genome position (GRCh38, 1-based): chr2:202,530,955, G>A. VCF-style: chr2-202530955-G-A. GRCh37 (hg19) VCF-style: chr2-203395678-G-A.
Identifiers: ClinVar variation 212811 (VCV000212811.24), dbSNP rs863223420, ClinGen allele CA322054.
Genomic context (GRCh38, chr2:202,530,955, plus strand): 5'-AGGCTGACTGGAAATAGACTGGTGCGCCCAGGGGAGGAAGATAATGCAGCCATAAGCGAG[G>A]TGAGTGTATACAAAAGGTATCACACTGATGTACTTTGAAATGATAATTTAATTAAAACAT-3'

ClinVar aggregate classification (germline): Pathogenic. Review status: criteria provided, multiple submitters, no conflicts (2 of 4 stars). 6 submissions from 6 submitters: Pathogenic (4). 2 of the submissions do not count toward it. Last evaluated 2024-09-24.

Conditions:
Idiopathic and/or familial pulmonary arterial hypertension. Identifiers: Orphanet 422, MedGen C5679820, MONDO:0008347.
Pulmonary arterial hypertension. Identifiers: Orphanet 182090, MedGen C2973725, MeSH D000081029, MONDO:0015924, HP:0002092.
Primary pulmonary hypertension. Also called: Idiopathic pulmonary hypertension. Identifiers: MedGen C0152171.
Pulmonary hypertension, primary, 1 (PPH1). Also called: Pulmonary hypertension, familial primary, 1, with or without HHT. Identifiers: Orphanet 422, MedGen C4552070, MONDO:0024533, OMIM 178600.

Submissions (6):

Labcorp Genetics (formerly Invitae), Labcorp
Classification: Pathogenic for Primary pulmonary hypertension. Last evaluated: 2024-09-24. Review status: criteria provided, single submitter. Criteria: Invitae Variant Classification Sherloc (09022015). Collection method: clinical testing. Allele origin: germline.
Comment: This sequence change affects a donor splice site in intron 8 of the BMPR2 gene. It is expected to disrupt RNA splicing. Variants that disrupt the donor or acceptor splice site typically lead to a loss of protein function (PMID: 16199547), and loss-of-function variants in BMPR2 are known to be pathogenic (PMID: 16429395). This variant is not present in population databases (gnomAD no frequency). Disruption of this splice site has been observed in individuals with pulmonary arterial hypertension (PMID: 16429395). ClinVar contains an entry for this variant (Variation ID: 212811). Algorithms developed to predict the effect of sequence changes on RNA splicing suggest that this variant may disrupt the consensus splice site. For these reasons, this variant has been classified as Pathogenic.

ARUP Laboratories, Molecular Genetics and Genomics, ARUP Laboratories
Classification: Pathogenic. Last evaluated: 2019-09-12. Review status: criteria provided, single submitter. Criteria: ARUP Molecular Germline Variant Investigation Process. Collection method: clinical testing. Allele origin: germline.
Comment: The BMPR2 c.1128+1G>A variant (rs863223420) is reported in the literature in individuals affected with idiopathic pulmonary arterial hypertension (Machado 2006, Wang 2019), and a similar variant with a different nucleotide change, c.1128+1G>T, was also reported in two affected families (Cogan 2006, Koelher 2004, Pfarr 2011, Rindermann 2003). The c.1128+1G>A variant is reported as pathogenic by multiple laboratories in ClinVar (Variation ID: 212811), and is absent from general population databases (Exome Variant Server, Genome Aggregation Database), indicating it is not a common polymorphism. This variant disrupts the canonical splice donor site of intron 8. Functional assays show that the c.1128+1G>T variant results in a stable transcript with an in-frame skipping of exons 8 and 9 (Cogan 2006). Based on available information, the c.1128+1G>A variant is considered to be pathogenic. REFERENCES Cogan DJ et al. High frequency of BMPR2 exonic deletions/duplications in familial pulmonary arterial hypertension. Am J Respir Crit Care Med. 2006 Sep 1;174(5):590-8. Koehler R et al. Low frequency of BMPR2 mutations in a German cohort of patients with sporadic idiopathic pulmonary arterial hypertension. J Med Genet. 2004 Dec;41(12):e127. Machado RD et al. Mutations of the TGF-b type II receptor BMPR2 in pulmonary arterial hypertension. Hum Mutat. 2006 Feb;27(2):121-32. Pfarr N et al. Hemodynamic and clinical onset in patients with hereditary pulmonary arterial hypertension and BMPR2 mutations. Respir Res. 2011 Jul 29;12:99. Rindermann M et al. Primary pulmonary hypertension may be a heterogeneous disease with a second locus on chromosome 2q31. J Am Coll Cardiol. 2003 Jun 18;41(12):2237-44. Wang XJ et al. Germline BMP9 mutation causes idiopathic pulmonary arterial hypertension. Eur Respir J. 2019 Mar 14;53(3). pii: 1801609.

Eurofins Ntd Llc (ga)
Classification: Pathogenic. Last evaluated: 2015-09-15. Review status: criteria provided, single submitter. Criteria: EGL Classification Definitions 2015. Collection method: clinical testing. Allele origin: germline. Observed: 1 variant allele, 1 heterozygote.

GeneDx
Classification: Pathogenic. Last evaluated: 2015-04-22. Review status: criteria provided, single submitter. Criteria: GeneDx Variant Classification (06012015). Collection method: clinical testing. Allele origin: germline. Affected: yes.
Comment: c.1128+1 G>A: IVS8+1 G>A in exon 8 of the BMPR2 gene (NM_001204.6). The c.1128+1 G>A mutation has been reported in at least one individual with idiopathic PAH (Machado et al., 2006). Additionally, a substitution at this same position (c.1128+1 G>T) has been reported in at least three individuals with PAH and was absent from 60 healthy control individuals (Rinderman et al., 2003; Cogan et al., 2006; Machado et al., 2006). This mutation destroys the canonical splice donor site in intron 8 and is predicted to cause abnormal gene splicing. The mutation is predicted to lead to either an abnormal message that is subject to nonsense-mediated mRNA decay, or to an abnormal protein product if the message is used for protein translation. Other splice site mutations in the BMPR2 gene have been reported in association with PAH. In summary, c.1128+1 G>A in the BMPR2 gene is interpreted as a disease-causing mutation. This variant was found in BMPR2,PAH-ARRHYTHMIA

Rare Disease Genomics Group, St George's University of London
Classification: Pathogenic for Primary pulmonary hypertension. Review status: no assertion criteria provided. Collection method: literature only. Allele origin: germline. Affected: yes. Not counted in ClinVar's aggregate classification.

Wendy Chung Laboratory, Boston Children's Hospital
No classification provided. Condition: Idiopathic and/or familial pulmonary arterial hypertension. Review status: no classification provided. Collection method: literature only. Allele origin: germline. Affected: yes. Not counted in ClinVar's aggregate classification.

Literature cited by the submitters: PubMed 16199547 (cited by Labcorp Genetics (formerly Invitae), Labcorp); PubMed 16429395 (cited by Labcorp Genetics (formerly Invitae), Labcorp and Rare Disease Genomics Group, St George's University of London); PubMed 31727138 (cited by Wendy Chung Laboratory, Boston Children's Hospital).